The following is an entry in ClinVar:

NM_006231.4(POLE):c.1753G>A (p.Glu585Lys)

Gene: POLE (DNA polymerase epsilon, catalytic subunit; minus strand). Cytogenetic location: 12q24.33.
Variant type: single nucleotide variant.
Coding change: c.1753G>A on transcript NM_006231.4 (MANE Select); coding-DNA position 1753, G replaced by A.
Protein change: p.Glu585Lys; replaces glutamic acid 585 with lysine.
Molecular consequence: missense variant.
Genome position (GRCh38, 1-based): chr12:132,672,256, C>T on the plus strand (G>A on the coding strand, the complement: POLE is on the minus strand). VCF-style: chr12-132672256-C-T. GRCh37 (hg19) VCF-style: chr12-133248842-C-T.
Other names: short protein forms E585K.
Identifiers: ClinVar variation 3308444 (VCV003308444.1).

ClinVar aggregate classification (germline): Uncertain significance (1 of 4 stars; one submission).

Conditions:
Hereditary cancer-predisposing syndrome. Also called: Neoplastic Syndromes, Hereditary; Tumor predisposition; Hereditary neoplastic syndrome; Hereditary Cancer Syndrome. Identifiers: Orphanet 140162, MedGen C0027672, MeSH D009386, MONDO:0015356.

Submission:

Ambry Genetics
Classification: Uncertain significance for Hereditary cancer-predisposing syndrome. Last evaluated: 2024-06-21. Review status: criteria provided, single submitter. Criteria: Ambry Variant Classification Scheme 2023. Collection method: clinical testing. Allele origin: germline.
Comment: The p.E585K variant (also known as c.1753G>A), located in coding exon 16 of the POLE gene, results from a G to A substitution at nucleotide position 1753. The glutamic acid at codon 585 is replaced by lysine, an amino acid with similar properties. This amino acid position is conserved. In addition, this alteration is predicted to be tolerated by in silico analysis. Based on the available evidence, the clinical significance of this variant remains unclear.